The following is an entry in ClinVar:

NM_001363711.2(DUOX2):c.3258GGC[1] (p.Ala1088del)

Gene: DUOX2 (dual oxidase 2; minus strand). Cytogenetic location: 15q21.1.
Variant type: Microsatellite.
Coding change: c.3258GGC[1] on transcript NM_001363711.2 (MANE Select); one copy of the 3-base unit GGC starting at c.3258; the reference has two copies in a row; one copy, 3 bases deleted.
Protein change: p.Ala1088del; deletes alanine 1088.
Molecular consequence: inframe deletion.
Genome position (GRCh38, 1-based): chr15:45,099,814-45,099,816, GCC deleted on the plus strand (GGC on the coding strand, the reverse complement: DUOX2 is on the minus strand); deleting any 3 consecutive bases within chr15:45,099,814-45,099,820 gives the same sequence; the position shown is the placement nearest the transcript's 3' end. VCF-style (leftmost placement, unchanged base first): chr15-45099813-GGCC-G. GRCh37 (hg19) VCF-style: chr15-45392011-GGCC-G.
Other names: c.3261_3263del (NM_014080.4); c.3258GGC[1], p.Ala1088del (NM_014080.5); short protein forms A1088del.
Identifiers: ClinVar variation 1446064 (VCV001446064.7), dbSNP rs1566972804, ClinGen allele CA618006639.
Genomic context (GRCh38, chr15:45,099,813, plus strand): 5'-GAAGGTTATGAGGTTGCGGCACATGGTGAGCAAGATATAAGAGAACATGAAGGAGACGCT[GGCC>G]GCCGTGCCTCGTGACAGGATGATGCCCACGAGGGTGGTCTGTGCAATGTCCGAGGGTGGC-3'

ClinVar aggregate classification (germline): Uncertain significance. Review status: criteria provided, multiple submitters, no conflicts (2 of 4 stars). 3 submissions from 3 submitters: Uncertain significance (3). Last evaluated 2025-05-20.

Submissions (3):

GeneDx
Classification: Uncertain significance. Last evaluated: 2025-05-20. Review status: criteria provided, single submitter. Criteria: GeneDx Variant Classification Process June 2021. Collection method: clinical testing. Allele origin: germline. Affected: yes.
Comment: In-frame deletion of 1 amino acid in a non-repeat region; In silico analysis supports a deleterious effect on protein structure/function; Has not been previously published as pathogenic or benign to our knowledge

Labcorp Genetics (formerly Invitae), Labcorp
Classification: Uncertain significance. Last evaluated: 2021-08-26. Review status: criteria provided, single submitter. Criteria: Invitae Variant Classification Sherloc (09022015). Collection method: clinical testing. Allele origin: germline.
Comment: This variant, c.3261_3263del, results in the deletion of 1 amino acid(s) of the DUOX2 protein (p.Ala1088del), but otherwise preserves the integrity of the reading frame. This variant is not present in population databases (ExAC no frequency). This variant has not been reported in the literature in individuals affected with DUOX2-related conditions. Experimental studies and prediction algorithms are not available or were not evaluated, and the functional significance of this variant is currently unknown. In summary, the available evidence is currently insufficient to determine the role of this variant in disease. Therefore, it has been classified as a Variant of Uncertain Significance.

AiLife Diagnostics
Classification: Uncertain significance. Last evaluated: 2021-06-30. Review status: criteria provided, single submitter. Criteria: ACMG Guidelines, 2015. Collection method: clinical testing. Allele origin: germline. Affected: yes. Observed: 1 variant allele.